The following is an entry in ClinVar:

NM_004836.7(EIF2AK3):c.1611G>A (p.Thr537=)

Gene: EIF2AK3 (eukaryotic translation initiation factor 2 alpha kinase 3; minus strand). Cytogenetic location: 2p11.2.
Variant type: single nucleotide variant.
Coding change: c.1611G>A on transcript NM_004836.7 (MANE Select); coding-DNA position 1611, G replaced by A.
Protein change: p.Thr537=; no amino-acid change (threonine 537 retained).
Molecular consequence: synonymous variant.
Genome position (GRCh38, 1-based): chr2:88,585,880, C>T on the plus strand (G>A on the coding strand, the complement: EIF2AK3 is on the minus strand). VCF-style: chr2-88585880-C-T. GRCh37 (hg19) VCF-style: chr2-88885398-C-T.
Other names: c.1158G>A, p.Thr386= (NM_001313915.2).
Identifiers: ClinVar variation 725098 (VCV000725098.13), dbSNP rs186435400, ClinGen allele CA1754665.

ClinVar aggregate classification (germline): Likely benign. Review status: criteria provided, multiple submitters, no conflicts (2 of 4 stars). 3 submissions from 3 submitters: Likely benign (2). 1 of the submissions does not count toward it. Last evaluated 2026-01-16.

Conditions:
EIF2AK3-related disorder. Also called: EIF2AK3-related condition.

Allele frequency attached by ClinVar (database versions not stated): gnomAD exomes 0.00008 and 0.00017; ExAC 0.00011; gnomAD 0.00019 and 0.00020; TOPMed 0.00023; 1000 Genomes Project 0.00080.
gnomAD v4.1: 160 of 1,614,064 alleles (0.0099%); highest among the groups gnomAD compares: Admixed American, 0.12%; no homozygotes.

Submissions (3):

Labcorp Genetics (formerly Invitae), Labcorp
Classification: Likely benign. Last evaluated: 2026-01-16. Review status: criteria provided, single submitter. Criteria: Invitae Variant Classification Sherloc (09022015). Collection method: clinical testing. Allele origin: germline.

Blueprint Genetics
Classification: Likely benign. Last evaluated: 2024-03-25. Review status: criteria provided, single submitter. Criteria: ACMG Guidelines, 2015. Collection method: clinical testing. Allele origin: germline.

PreventionGenetics, part of Exact Sciences
Classification: Likely benign for EIF2AK3-related condition. Last evaluated: 2019-06-01. Review status: no assertion criteria provided. Collection method: clinical testing. Allele origin: germline. Not counted in ClinVar's aggregate classification.
Comment: This variant is classified as likely benign based on ACMG/AMP sequence variant interpretation guidelines (Richards et al. 2015 PMID: 25741868, with internal and published modifications).